The following is an entry in ClinVar:

ClinVar aggregate classification (germline): Uncertain significance (1 of 4 stars; one submission).

Conditions:
MEGF10-related myopathy (CMYO10A). Also called: Congenital myopathy 10A, severe variant. Identifiers: Orphanet 439212, MedGen C3280679, MONDO:0013731, OMIM 614399.

Allele frequency attached by ClinVar (database versions not stated): gnomAD 0.00001.
gnomAD v4.1: 2 of 1,613,998 alleles (0.00012%); highest among the groups gnomAD compares: Non-Finnish European, 0.00017%; no homozygotes.

Submission:

Labcorp Genetics (formerly Invitae), Labcorp
Classification: Uncertain significance for MEGF10-related myopathy. Last evaluated: 2021-09-02. Review status: criteria provided, single submitter. Criteria: Invitae Variant Classification Sherloc (09022015). Collection method: clinical testing. Allele origin: germline.
Comment: This sequence change replaces phenylalanine with leucine at codon 345 of the MEGF10 protein (p.Phe345Leu). The phenylalanine residue is moderately conserved and there is a small physicochemical difference between phenylalanine and leucine. This variant is not present in population databases (ExAC no frequency). This variant has not been reported in the literature in individuals affected with MEGF10-related conditions. Algorithms developed to predict the effect of missense changes on protein structure and function are either unavailable or do not agree on the potential impact of this missense change (SIFT: "Deleterious"; PolyPhen-2: "Benign"; Align-GVGD: "Class C0"). In summary, the available evidence is currently insufficient to determine the role of this variant in disease. Therefore, it has been classified as a Variant of Uncertain Significance.

NM_001256545.2(MEGF10):c.1035T>A (p.Phe345Leu)

Gene: MEGF10 (multiple EGF like domains 10; plus strand). Cytogenetic location: 5q23.2.
Variant type: single nucleotide variant.
Coding change: c.1035T>A on transcript NM_001256545.2 (MANE Select); coding-DNA position 1035, T replaced by A.
Protein change: p.Phe345Leu; replaces phenylalanine 345 with leucine.
Molecular consequence: missense variant.
Genome position (GRCh38, 1-based): chr5:127,410,506, T>A. VCF-style: chr5-127410506-T-A. GRCh37 (hg19) VCF-style: chr5-126746198-T-A.
Other names: c.1035T>A, p.Phe345Leu (NM_001308119.2, NM_001308121.2, NM_032446.3); short protein forms F345L.
Identifiers: ClinVar variation 644678 (VCV000644678.6), dbSNP rs772920449, ClinGen allele CA360726367.